The following is an entry in ClinVar:

NM_004958.4(MTOR):c.4908C>T (p.Ile1636=)

Gene: MTOR (mechanistic target of rapamycin kinase; minus strand). Cytogenetic location: 1p36.22.
Variant type: single nucleotide variant.
Coding change: c.4908C>T on transcript NM_004958.4 (MANE Select); coding-DNA position 4908, C replaced by T.
Protein change: p.Ile1636=; no amino-acid change (isoleucine 1636 retained).
Molecular consequence: synonymous variant.
Genome position (GRCh38, 1-based): chr1:11,139,623, G>A on the plus strand (C>T on the coding strand, the complement: MTOR is on the minus strand). VCF-style: chr1-11139623-G-A. GRCh37 (hg19) VCF-style: chr1-11199680-G-A.
Identifiers: ClinVar variation 696264 (VCV000696264.44), dbSNP rs138256812, ClinGen allele CA589504.
Genomic context (GRCh38, chr1:11,139,623, plus strand): 5'-ATACTTGAGCCAGGTTCTCATGTCTTCATGAGGGCTGACCACAAGGGACCGCACCATAAG[G>A]ATTTTCTGCCAGTCCTCTACGATACGCTGGCAGCCCTGGAACATTCAGAAGTGAAGATTA-3'
Protein context (NP_004949.1, residues 1626-1646): CQRIVEDWQK[Ile1636=]LMVRSLVVSP

ClinVar aggregate classification (germline): Likely benign. Review status: criteria provided, multiple submitters, no conflicts (2 of 4 stars). 5 submissions from 5 submitters: Likely benign (4). 1 of the submissions does not count toward it. Last evaluated 2026-01-26.

Conditions:
MTOR-related disorder. Also called: MTOR-related condition.

Allele frequency attached by ClinVar (database versions not stated): ExAC 0.00026; gnomAD exomes 0.00028 and 0.00053; gnomAD 0.00032; TOPMed 0.00033; ESP Exome Variant Server 0.00038.
gnomAD v4.1: 827 of 1,614,024 alleles (0.051%); highest among the groups gnomAD compares: Non-Finnish European, 0.064%; no homozygotes.

Submissions (5):

Labcorp Genetics (formerly Invitae), Labcorp
Classification: Likely benign. Last evaluated: 2026-01-26. Review status: criteria provided, single submitter. Criteria: Invitae Variant Classification Sherloc (09022015). Collection method: clinical testing. Allele origin: germline.

Blueprint Genetics
Classification: Likely benign. Last evaluated: 2024-08-06. Review status: criteria provided, single submitter. Criteria: ACMG Guidelines, 2015. Collection method: clinical testing. Allele origin: germline.

CeGaT Center for Human Genetics Tuebingen
Classification: Likely benign. Last evaluated: 2023-10-01. Review status: criteria provided, single submitter. Criteria: CeGaT Center For Human Genetics Tuebingen Variant Classification Criteria Version 2. Collection method: clinical testing. Allele origin: germline. Affected: yes. Observed: 6 variant alleles.
Comment: MTOR: BP4

GeneDx
Classification: Likely benign. Last evaluated: 2021-05-14. Review status: criteria provided, single submitter. Criteria: GeneDx Variant Classification Process June 2021. Collection method: clinical testing. Allele origin: germline. Affected: yes.

PreventionGenetics, part of Exact Sciences
Classification: Likely benign for MTOR-related condition. Last evaluated: 2024-05-20. Review status: no assertion criteria provided. Collection method: clinical testing. Allele origin: germline. Not counted in ClinVar's aggregate classification.
Comment: This variant is classified as likely benign based on ACMG/AMP sequence variant interpretation guidelines (Richards et al. 2015 PMID: 25741868, with internal and published modifications).